The following is an entry in ClinVar:

NC_000002.11:g.(44153101_44161328)_(44187774_44190726)dup

Gene: LRPPRC (leucine rich pentatricopeptide repeat containing; minus strand). Cytogenetic location: 2p21.
Variant type: Duplication.
Identifiers: ClinVar variation 4688388 (VCV004688388.1).

ClinVar aggregate classification (germline): Uncertain significance (1 of 4 stars; one submission).

Submission:

Women's Health and Genetics/Laboratory Corporation of America, LabCorp
Classification: Uncertain significance. Last evaluated: 2025-12-30. Review status: criteria provided, single submitter. Criteria: LabCorp Variant Classification Summary - May 2015. Collection method: clinical testing. Allele origin: germline.
Comment: Variant summary: The variant involves the duplication of exons 13-25 in the LRPPRC gene. A presumed nomenclature of c.(1488+1_1489-1)_(2736+1_2737-1)dup has been designated for the purposes of this classification. It is assumed to be a tandem duplication in direct orientation (PMIDs: 25640679, 30054569). This Copy Number Variant (CNV) is predicted to result in an in-frame duplication within this gene. The variant was absent in 120778 control chromosomes in the gnomAD database (Structural Variants v4.1 dataset). The available data on variant occurrences in the general population are insufficient to allow any conclusion about variant significance. To our knowledge, no occurrence of c.(1488+1_1489-1)_(2736+1_2737-1)dup in individuals affected with LRPPRC-related conditions and no experimental evidence demonstrating its impact on protein function have been reported. No submitters have cited clinical-significance assessments for this variant to ClinVar. Based on the evidence outlined above, the variant was classified as uncertain significance.